The following is an entry in ClinVar:

NM_182931.3(KMT2E):c.1179G>C (p.Met393Ile)

Gene: KMT2E (lysine methyltransferase 2E (inactive); plus strand). Cytogenetic location: 7q22.3.
Variant type: single nucleotide variant.
Coding change: c.1179G>C on transcript NM_182931.3 (MANE Select); coding-DNA position 1179, G replaced by C.
Protein change: p.Met393Ile; replaces methionine 393 with isoleucine.
Molecular consequence: missense variant.
Genome position (GRCh38, 1-based): chr7:105,078,894, G>C. VCF-style: chr7-105078894-G-C. GRCh37 (hg19) VCF-style: chr7-104719341-G-C.
Other names: c.1179G>C, p.Met393Ile (NM_001410908.1, NM_018682.4); short protein forms M393I.
Identifiers: ClinVar variation 4873405 (VCV004873405.2).

ClinVar aggregate classification (germline): Uncertain significance (1 of 4 stars; one submission).

gnomAD v4.1: 1 of 1,610,492 alleles (0.000062%); highest among the groups gnomAD compares: Non-Finnish European, 0.000085%; no homozygotes.

Submission:

CeGaT Center for Human Genetics Tuebingen
Classification: Uncertain significance. Last evaluated: 2026-03-01. Review status: criteria provided, single submitter. Criteria: CeGaT Center For Human Genetics Tuebingen Variant Classification Criteria Version 2. Collection method: clinical testing. Allele origin: germline. Affected: yes. Observed: 1 variant allele.
Comment: KMT2E: PM2:Supporting, PP2